The following is an entry in ClinVar:

ClinVar aggregate classification (germline): Conflicting classifications of pathogenicity. Review status: criteria provided, conflicting classifications (1 of 4 stars). 2 submissions from 2 submitters: Uncertain significance (1); Likely benign (1). Last evaluated 2025-01-16.

Conditions:
Hereditary cancer-predisposing syndrome. Also called: Neoplastic Syndromes, Hereditary; Tumor predisposition; Hereditary Cancer Syndrome; Hereditary neoplastic syndrome. Identifiers: Orphanet 140162, MedGen C0027672, MeSH D009386, MONDO:0015356.

Allele frequency attached by ClinVar (database versions not stated): gnomAD exomes below 0.00001.
gnomAD v4.1: 2 of 1,614,018 alleles (0.00012%); highest among the groups gnomAD compares: South Asian, 0.0022%; no homozygotes.

Submissions (2):

Ambry Genetics
Classification: Uncertain significance for Hereditary cancer-predisposing syndrome. Last evaluated: 2025-01-16. Review status: criteria provided, single submitter. Criteria: Ambry Variant Classification Scheme 2023. Collection method: clinical testing. Allele origin: germline.
Comment: The p.K1517R variant (also known as c.4550A>G), located in coding exon 10 of the BRCA2 gene, results from an A to G substitution at nucleotide position 4550. The lysine at codon 1517 is replaced by arginine, an amino acid with highly similar properties. This amino acid position is not well conserved in available vertebrate species. In addition, this alteration is predicted to be tolerated by in silico analysis. Based on the available evidence, the clinical significance of this variant remains unclear.

University of Washington Department of Laboratory Medicine, University of Washington
Classification: Likely benign for Hereditary cancer-predisposing syndrome. Last evaluated: 2023-03-23. Review status: criteria provided, single submitter. Criteria: Dines et al. (Genet Med. 2020). Collection method: curation. Allele origin: germline.
Comment: Missense variant in a coldspot region where missense variants are very unlikely to be pathogenic (PMID:31911673).

BRCA2 exon 11 coldspot. Reclassification based on statistical prior probability.

NM_000059.4(BRCA2):c.4550A>G (p.Lys1517Arg)

Gene: BRCA2 (BRCA2 DNA repair associated; plus strand). Cytogenetic location: 13q13.1.
Variant type: single nucleotide variant.
Coding change: c.4550A>G on transcript NM_000059.4 (MANE Select); coding-DNA position 4550, A replaced by G.
Protein change: p.Lys1517Arg; replaces lysine 1517 with arginine.
Molecular consequence: missense variant.
Genome position (GRCh38, 1-based): chr13:32,338,905, A>G. VCF-style: chr13-32338905-A-G. GRCh37 (hg19) VCF-style: chr13-32913042-A-G.
Other names: short protein forms K1517R.
Identifiers: ClinVar variation 141066 (VCV000141066.8), dbSNP rs587781468, ClinGen allele CA020405.
Genomic context (GRCh38, chr13:32,338,905, plus strand): 5'-TTGGTACTGGAAATCAACTAGTGACCTTCCAGGGACAACCCGAACGTGATGAAAAGATCA[A>G]AGAACCTACTCTATTGGGTTTTCATACAGCTAGCGGGAAAAAAGTTAAAATTGCAAAGGA-3'
Protein context (NP_000050.3, residues 1507-1527): QGQPERDEKI[Lys1517Arg]EPTLLGFHTA